The following is an entry in ClinVar:

NM_001170629.2(CHD8):c.62_65del (p.Thr21fs)

Gene: CHD8 (chromodomain helicase DNA binding protein 8; minus strand). Cytogenetic location: 14q11.2.
Variant type: Microsatellite.
Coding change: c.62_65del on transcript NM_001170629.2 (MANE Select); coding-DNA positions 62 to 65, 4 bases deleted (CTGA; older notation c.62_65delCTGA).
Protein change: p.Thr21fs; shifts the reading frame from threonine 21.
Molecular consequence: frameshift variant. On other transcripts: intron variant (1).
Genome position (GRCh38, 1-based): chr14:21,431,579-21,431,582, TCAG deleted on the plus strand (CTGA on the coding strand, the reverse complement: CHD8 is on the minus strand); deleting any 4 consecutive bases within chr14:21,431,579-21,431,586 gives the same sequence; the c. name uses the placement nearest the transcript's 3' end. VCF-style (leftmost placement, unchanged base first): chr14-21431578-ATCAG-A. GRCh37 (hg19) VCF-style: chr14-21899737-ATCAG-A.
Other names: c.6+229_6+232del (NM_020920.4); short protein forms T21fs.
Identifiers: ClinVar variation 3775872 (VCV003775872.1).

ClinVar aggregate classification (germline): Likely pathogenic (1 of 4 stars; one submission).

Conditions:
Intellectual developmental disorder with autism and macrocephaly. Also called: Autism, susceptibility to, 18; CHD8-Related Neurodevelopmental Disorder with Overgrowth. Identifiers: Orphanet 642675, MedGen C3554373, MONDO:0014017, OMIM 615032.

Submission:

3billion
Classification: Likely pathogenic for Intellectual developmental disorder with autism and macrocephaly. Last evaluated: 2023-07-17. Review status: criteria provided, single submitter. Criteria: ACMG Guidelines, 2015. Collection method: clinical testing. Allele origin: germline. Affected: yes.
Comment: The variant is not observed in the gnomAD v2.1.1 dataset. Predicted Consequence/Location: Frameshift: predicted to result in a loss or disruption of normal protein function through nonsense-mediated decay (NMD) or protein truncation. Multiple pathogenic variants are reported downstream of the variant. Therefore, this variant is classified as Likely pathogenic according to the recommendation of ACMG/AMP guideline.